The following is an entry in ClinVar:

ClinVar aggregate classification (germline): Uncertain significance. Review status: criteria provided, multiple submitters, no conflicts (2 of 4 stars). 3 submissions from 3 submitters: Uncertain significance (3). Last evaluated 2023-04-11.

Conditions:
Developmental and epileptic encephalopathy, 18 (DEE18). Also called: Early infantile epileptic encephalopathy 18. Identifiers: Orphanet 369894, MedGen C3809624, MONDO:0014201, OMIM 615476.
Inborn genetic diseases. Identifiers: MedGen C0950123, MeSH D030342.

Allele frequency attached by ClinVar (database versions not stated): gnomAD exomes below 0.00001; ExAC 0.00001; gnomAD 0.00002; TOPMed 0.00003.
gnomAD v4.1: 6 of 1,614,024 alleles (0.00037%); highest among the groups gnomAD compares: African/African-American, 0.0053%; no homozygotes.

Submissions (3):

Genome-Nilou Lab
Classification: Uncertain significance for Developmental and epileptic encephalopathy, 18. Last evaluated: 2023-04-11. Review status: criteria provided, single submitter. Criteria: ACMG Guidelines, 2015. Collection method: clinical testing. Allele origin: germline. Affected: no.

Ambry Genetics
Classification: Uncertain significance for Inborn genetic diseases. Last evaluated: 2022-09-27. Review status: criteria provided, single submitter. Criteria: Ambry Variant Classification Scheme 2023. Collection method: clinical testing. Allele origin: germline.

Labcorp Genetics (formerly Invitae), Labcorp
Classification: Uncertain significance. Last evaluated: 2021-08-14. Review status: criteria provided, single submitter. Criteria: Invitae Variant Classification Sherloc (09022015). Collection method: clinical testing. Allele origin: germline.
Comment: This sequence change replaces glutamic acid with glutamine at codon 2596 of the SZT2 protein (p.Glu2596Gln). The glutamic acid residue is highly conserved and there is a small physicochemical difference between glutamic acid and glutamine. This variant is present in population databases (rs757185806, ExAC 0.009%). This variant has not been reported in the literature in individuals affected with SZT2-related conditions. Algorithms developed to predict the effect of missense changes on protein structure and function are either unavailable or do not agree on the potential impact of this missense change (SIFT: "Tolerated"; PolyPhen-2: "Possibly Damaging"; Align-GVGD: "Class C0"). In summary, the available evidence is currently insufficient to determine the role of this variant in disease. Therefore, it has been classified as a Variant of Uncertain Significance.

NM_001365999.1(SZT2):c.7957G>C (p.Glu2653Gln)

Gene: SZT2 (SZT2 subunit of KICSTOR complex; plus strand). Cytogenetic location: 1p34.2.
Variant type: single nucleotide variant.
Coding change: c.7957G>C on transcript NM_001365999.1 (MANE Select); coding-DNA position 7957, G replaced by C.
Protein change: p.Glu2653Gln; replaces glutamic acid 2653 with glutamine.
Molecular consequence: missense variant.
Genome position (GRCh38, 1-based): chr1:43,442,351, G>C. VCF-style: chr1-43442351-G-C. GRCh37 (hg19) VCF-style: chr1-43908022-G-C.
Other names: c.7786G>C, p.Glu2596Gln (NM_015284.4); c.7786G>C (NM_015284.3); short protein forms E2653Q, E2596Q.
Identifiers: ClinVar variation 1415732 (VCV001415732.6), dbSNP rs757185806, ClinGen allele CA810411.